The following is an entry in ClinVar:

NM_000089.4(COL1A2):c.2077C>T (p.Arg693Trp)

Gene: COL1A2 (collagen type I alpha 2 chain; plus strand). Cytogenetic location: 7q21.3.
Variant type: single nucleotide variant.
Coding change: c.2077C>T on transcript NM_000089.4 (MANE Select); coding-DNA position 2077, C replaced by T.
Protein change: p.Arg693Trp; replaces arginine 693 with tryptophan.
Molecular consequence: missense variant.
Genome position (GRCh38, 1-based): chr7:94,419,549, C>T. VCF-style: chr7-94419549-C-T. GRCh37 (hg19) VCF-style: chr7-94048861-C-T.
Other names: c.2077C>T (NM_000089.3); short protein forms R693W.
Identifiers: ClinVar variation 1375286 (VCV001375286.9), dbSNP rs1342960126, ClinGen allele CA368223194.

ClinVar aggregate classification (germline): Uncertain significance. Review status: criteria provided, multiple submitters, no conflicts (2 of 4 stars). 2 submissions from 2 submitters: Uncertain significance (2). Last evaluated 2025-02-09.

Conditions:
Osteogenesis imperfecta type I (OI1). Also called: OI, TYPE I; OSTEOGENESIS IMPERFECTA TARDA; OSTEOGENESIS IMPERFECTA WITH BLUE SCLERAE; Osteogenesis imperfecta type 1; Lobstein's Disease; Lobstein disease. Identifiers: Orphanet 216796, Orphanet 666, MedGen C0023931, MONDO:0008146, OMIM 166200. Disease mechanism: loss of function.
Ehlers-Danlos syndrome, classic type, 1 (EDSCL1). Also called: EHLERS-DANLOS SYNDROME, GRAVIS TYPE; EHLERS-DANLOS SYNDROME, SEVERE CLASSIC TYPE; Ehlers-Danlos syndrome, type 1; EDS I; Ehlers-Danlos Syndrome, Classic Type, COL5A1-Related. Identifiers: MedGen C0268335, MONDO:0019567, OMIM 130000.

Allele frequency attached by ClinVar (database versions not stated): TOPMed 0.00001; gnomAD 0.00001; gnomAD exomes 0.00001.
gnomAD v4.1: 9 of 1,613,842 alleles (0.00056%); highest among the groups gnomAD compares: Admixed American, 0.005%; no homozygotes.

Submissions (2):

Labcorp Genetics (formerly Invitae), Labcorp
Classification: Uncertain significance for Osteogenesis imperfecta type I; Ehlers-Danlos syndrome, classic type, 1. Last evaluated: 2025-02-09. Review status: criteria provided, single submitter. Criteria: Invitae Variant Classification Sherloc (09022015). Collection method: clinical testing. Allele origin: germline.
Comment: This sequence change replaces arginine, which is basic and polar, with tryptophan, which is neutral and slightly polar, at codon 693 of the COL1A2 protein (p.Arg693Trp). This variant is present in population databases (no rsID available, gnomAD 0.003%). This missense change has been observed in individual(s) with clinical features of COL12A1-related conditions (PMID: 35903967). ClinVar contains an entry for this variant (Variation ID: 1375286). Experimental studies and prediction algorithms are not available or were not evaluated, and the functional significance of this variant is currently unknown. In summary, the available evidence is currently insufficient to determine the role of this variant in disease. Therefore, it has been classified as a Variant of Uncertain Significance.

GeneDx
Classification: Uncertain significance. Last evaluated: 2023-12-12. Review status: criteria provided, single submitter. Criteria: GeneDx Variant Classification Process June 2021. Collection method: clinical testing. Allele origin: germline. Affected: yes.
Comment: Not observed at significant frequency in large population cohorts (gnomAD); In silico analysis supports that this missense variant has a deleterious effect on protein structure/function; Identified and classified as a variant of uncertain significance in a patient with a suspected heritable connective tissue disorder in published literature (PMID: 35903967); This variant is associated with the following publications: (PMID: 35903967)

Literature cited by the submitters: PubMed 35903967 (cited by Labcorp Genetics (formerly Invitae), Labcorp).